The following is an entry in ClinVar:

NM_152515.5(CKAP2L):c.1534_1537del (p.Lys512fs)

Gene: CKAP2L (cytoskeleton associated protein 2 like; minus strand). Cytogenetic location: 2q14.1.
Variant type: Microsatellite.
Coding change: c.1534_1537del on transcript NM_152515.5 (MANE Select); coding-DNA positions 1534 to 1537, 4 bases deleted (AAAG; older notation c.1534_1537delAAAG).
Protein change: p.Lys512fs; shifts the reading frame from lysine 512.
Molecular consequence: frameshift variant. On other transcripts: non-coding transcript variant (1).
Genome position (GRCh38, 1-based): chr2:112,752,332-112,752,335, CTTT deleted on the plus strand (AAAG on the coding strand, the reverse complement: CKAP2L is on the minus strand); deleting any 4 consecutive bases within chr2:112,752,332-112,752,339 gives the same sequence; the c. name uses the placement nearest the transcript's 3' end. VCF-style (leftmost placement, unchanged base first): chr2-112752331-GCTTT-G. GRCh37 (hg19) VCF-style: chr2-113509908-GCTTT-G.
Other names: c.1039_1042del, p.Lys347fs (NM_001304361.2); short protein forms K347fs, K512fs.
Identifiers: ClinVar variation 666813 (VCV000666813.4), dbSNP rs989196851, ClinGen allele CA53687266.

ClinVar aggregate classification (germline): Uncertain significance (1 of 4 stars; one submission).

Submission:

Laboratory for Molecular Medicine, Mass General Brigham Personalized Medicine
Classification: Uncertain significance. Last evaluated: 2018-05-14. Review status: criteria provided, single submitter. Criteria: LMM Criteria. Collection method: clinical testing. Allele origin: germline. Observed: 1 variant allele.
Comment: Variant classified as Uncertain Significance - Favor Pathogenic. The p.Lys512fs variant in CKAP2L has not been previously reported in individuals with Filippi s yndrome, but has been identified in 1/111484 European chromosomes by the Genome Aggregation Database (gnomAD; dbSNP rs98919685 1). This variant is predicted to cause a frameshift, which alters the protein?s amino acid sequence beginning at position 512 and leads to a premature terminati on codon 13 amino acids downstream. This alteration is then predicted to lead to a truncated or absent protein. Biallelic loss of function of the CKAP2L gene ha s been reported in at least 4 individuals with Filippi syndrome, though majority were consanguineous (Hussain 2014). Additional data is needed to definitively establish this gene-disease relationship. In summary, while there is some suspic ion for a pathogenic role, the clinical significance of the p.Lys512fs variant i s uncertain. ACMG/AMP Criteria applied: PVS1_Moderate; PM2.